The following is an entry in ClinVar:

ClinVar aggregate classification (germline): Likely benign. Review status: criteria provided, single submitter (1 of 4 stars). 2 submissions from 2 submitters: Likely benign (1). 1 of the submissions does not count toward it. Last evaluated 2026-07-01.

Conditions:
RSRC1-related disorder. Also called: RSRC1-related condition.

Allele frequency attached by ClinVar (database versions not stated): ESP Exome Variant Server 0.00123; gnomAD 0.00135; ExAC 0.00146; 1000 Genomes Project 0.00160; TOPMed 0.00169; 1000 Genomes Project 30x 0.00187; gnomAD exomes 0.00187.
gnomAD v4.1: 2,887 of 1,597,384 alleles (0.18%); highest among the groups gnomAD compares: South Asian, 0.26%; 4 homozygotes.

Submissions (2):

CeGaT Center for Human Genetics Tuebingen
Classification: Likely benign. Last evaluated: 2026-07-01. Review status: criteria provided, single submitter. Criteria: CeGaT Center For Human Genetics Tuebingen Variant Classification Criteria Version 2. Collection method: clinical testing. Allele origin: germline. Affected: yes. Observed: 4 variant alleles.
Comment: RSRC1: BS2

PreventionGenetics, part of Exact Sciences
Classification: Likely benign for RSRC1-related condition. Last evaluated: 2022-08-09. Review status: no assertion criteria provided. Collection method: clinical testing. Allele origin: germline. Not counted in ClinVar's aggregate classification.
Comment: This variant is classified as likely benign based on ACMG/AMP sequence variant interpretation guidelines (Richards et al. 2015 PMID: 25741868, with internal and published modifications).

NM_001271838.2(RSRC1):c.62G>A (p.Arg21His)

Gene: RSRC1 (arginine and serine rich coiled-coil 1; plus strand). Cytogenetic location: 3q25.32.
Variant type: single nucleotide variant.
Coding change: c.62G>A on transcript NM_001271838.2 (MANE Select); coding-DNA position 62, G replaced by A.
Protein change: p.Arg21His; replaces arginine 21 with histidine.
Molecular consequence: missense variant.
Genome position (GRCh38, 1-based): chr3:158,122,166, G>A. VCF-style: chr3-158122166-G-A. GRCh37 (hg19) VCF-style: chr3-157839955-G-A.
Other names: c.62G>A, p.Arg21His (NM_001271834.2, NM_016625.4); short protein forms R21H.
Identifiers: ClinVar variation 3041641 (VCV003041641.16), dbSNP rs143641214, ClinGen allele CA2681483.